The following is an entry in ClinVar:

ClinVar aggregate classification (germline): Likely benign (0 of 4 stars; one submission).

Conditions:
NUP93-related disorder. Also called: NUP93-related condition.

Submission:

PreventionGenetics, part of Exact Sciences
Classification: Likely benign for NUP93-related condition. Last evaluated: 2021-08-04. Review status: no assertion criteria provided. Collection method: clinical testing. Allele origin: germline.
Comment: This variant is classified as likely benign based on ACMG/AMP sequence variant interpretation guidelines (Richards et al. 2015 PMID: 25741868, with internal and published modifications).

NM_014669.5(NUP93):c.1346-25TCTCC[2]

Gene: NUP93 (nucleoporin 93; plus strand). Cytogenetic location: 16q13.
Variant type: Microsatellite.
Coding change: c.1346-25TCTCC[2] on transcript NM_014669.5 (MANE Select); two copies in a row of the 5-base unit TCTCC starting at c.1346-25.
Molecular consequence: intron variant.
Genome position: GRCh38 VCF-style: chr16-56833189-ATCTCC-A. GRCh37 (hg19) VCF-style: chr16-56867101-ATCTCC-A.
Other names: c.977-25TCTCC[2] (NM_001242795.2, NM_001242796.2).
Identifiers: ClinVar variation 3055539 (VCV003055539.2), dbSNP rs749590224, ClinGen allele CA8068403.